The following is an entry in ClinVar:

ClinVar aggregate classification (germline): Uncertain significance (1 of 4 stars; one submission).

Allele frequency attached by ClinVar (database versions not stated): gnomAD exomes below 0.00001.
gnomAD v4.1: 6 of 1,598,480 alleles (0.00038%); highest among the groups gnomAD compares: Non-Finnish European, 0.00051%; no homozygotes.

Submission:

Labcorp Genetics (formerly Invitae), Labcorp
Classification: Uncertain significance. Last evaluated: 2021-03-10. Review status: criteria provided, single submitter. Criteria: Invitae Variant Classification Sherloc (09022015). Collection method: clinical testing. Allele origin: germline.
Comment: This sequence change falls in intron 6 of the IDH3A gene. It does not directly change the encoded amino acid sequence of the IDH3A protein. It affects a nucleotide within the consensus splice site of the intron. This variant is not present in population databases (ExAC no frequency). This variant has not been reported in the literature in individuals with IDH3A-related conditions. Nucleotide substitutions within the consensus splice site are a relatively common cause of aberrant splicing (PMID: 17576681, 9536098). Algorithms developed to predict the effect of sequence changes on RNA splicing suggest that this variant is not likely to affect RNA splicing, but this prediction has not been confirmed by published transcriptional studies. In summary, the available evidence is currently insufficient to determine the role of this variant in disease. Therefore, it has been classified as a Variant of Uncertain Significance.

Literature cited by the submitters: PubMed 17576681; PubMed 9536098.

NM_005530.3(IDH3A):c.612-3C>T

Gene: IDH3A (isocitrate dehydrogenase (NAD(+)) 3 catalytic subunit alpha; plus strand). Cytogenetic location: 15q25.1.
Variant type: single nucleotide variant.
Coding change: c.612-3C>T on transcript NM_005530.3 (MANE Select); 3 bases into the intron before coding-DNA position 612, C replaced by T.
Molecular consequence: intron variant.
Genome position (GRCh38, 1-based): chr15:78,163,504, C>T. VCF-style: chr15-78163504-C-T. GRCh37 (hg19) VCF-style: chr15-78455846-C-T.
Identifiers: ClinVar variation 1420588 (VCV001420588.6), dbSNP rs1324267110, ClinGen allele CA619210385.
Genomic context (GRCh38, chr15:78,163,504, plus strand): 5'-TGATTTGATTCTTTTCTTTCTGTAAGACTTTTTTTTCAGCAGTTTTTATTTGATTAAATA[C>T]AGGCGGATGTCAGATGGGCTTTTTCTACAAAAATGCAGGGAAGTTGCAGAAAGCTGTAAA-3'